The following is an entry in ClinVar:

NM_024422.6(DSC2):c.1904T>C (p.Leu635Pro)

Gene: DSC2 (desmocollin 2; minus strand). Cytogenetic location: 18q12.1.
Variant type: single nucleotide variant.
Coding change: c.1904T>C on transcript NM_024422.6 (MANE Select); coding-DNA position 1904, T replaced by C.
Protein change: p.Leu635Pro; replaces leucine 635 with proline.
Molecular consequence: missense variant.
Genome position (GRCh38, 1-based): chr18:31,071,826, A>G on the plus strand (T>C on the coding strand, the complement: DSC2 is on the minus strand). VCF-style: chr18-31071826-A-G. GRCh37 (hg19) VCF-style: chr18-28651792-A-G.
Other names: c.1475T>C, p.Leu492Pro (NM_001406506.1, NM_001406507.1); c.1904T>C, p.Leu635Pro (NM_004949.5); short protein forms L492P, L635P.
Identifiers: ClinVar variation 3386519 (VCV003386519.1).

ClinVar aggregate classification (germline): Uncertain significance (1 of 4 stars; one submission).

Conditions:
Familial isolated arrhythmogenic right ventricular dysplasia. Identifiers: Orphanet 217656, MedGen C4274968, MONDO:0016342.

Submission:

All of Us Research Program, National Institutes of Health
Classification: Uncertain significance for Familial isolated arrhythmogenic right ventricular dysplasia. Last evaluated: 2024-04-25. Review status: criteria provided, single submitter. Criteria: ACMG Guidelines, 2015. Collection method: clinical testing. Allele origin: germline. Inheritance: Autosomal dominant inheritance. Observed: 1 variant allele, 1 heterozygote.
Comment: This missense variant replaces leucine with proline at codon 635 of the DSC2 protein. Computational prediction is inconclusive regarding the impact of this variant on protein structure and function (internally defined REVEL score threshold 0.5 < inconclusive < 0.7, PMID: 27666373). To our knowledge, functional studies have not been reported for this variant. This variant has not been reported in individuals affected with DSC2-related disorders in the literature. This variant has not been identified in the general population by the Genome Aggregation Database (gnomAD). The available evidence is insufficient to determine the role of this variant in disease conclusively. Therefore, this variant is classified as a Variant of Uncertain Significance.

This study involves interpretation of variants in research participants for the purpose of population health screening. Participant phenotype was not available at the time of variant classification. Additional details can be found in publication PMID: 35346344, PMCID: PMC8962531